The following is an entry in ClinVar:

NM_001429.4(EP300):c.6948A>G (p.Pro2316=)

Gene: EP300 (EP300 lysine acetyltransferase; plus strand). Cytogenetic location: 22q13.2.
Variant type: single nucleotide variant.
Coding change: c.6948A>G on transcript NM_001429.4 (MANE Select); coding-DNA position 6948, A replaced by G.
Protein change: p.Pro2316=; no amino-acid change (proline 2316 retained).
Molecular consequence: synonymous variant.
Genome position (GRCh38, 1-based): chr22:41,178,659, A>G. VCF-style: chr22-41178659-A-G. GRCh37 (hg19) VCF-style: chr22-41574663-A-G.
Other names: c.6870A>G, p.Pro2290= (NM_001362843.2).
Identifiers: ClinVar variation 3026323 (VCV003026323.22), dbSNP rs780185897, ClinGen allele CA324520077.

ClinVar aggregate classification (germline): Likely benign (1 of 4 stars; one submission).

Allele frequency attached by ClinVar (database versions not stated): TOPMed below 0.00001; gnomAD 0.00001.
gnomAD v4.1: 3 of 1,613,810 alleles (0.00019%); highest among the groups gnomAD compares: African/African-American, 0.0013%; no homozygotes.

Submission:

CeGaT Center for Human Genetics Tuebingen
Classification: Likely benign. Last evaluated: 2024-01-01. Review status: criteria provided, single submitter. Criteria: CeGaT Center For Human Genetics Tuebingen Variant Classification Criteria Version 2. Collection method: clinical testing. Allele origin: germline. Affected: yes. Observed: 1 variant allele.
Comment: EP300: BP4, BP7